The following is an entry in ClinVar:

NM_001127511.3(APC):c.-191T>G

Genes: APC (APC regulator of Wnt signaling pathway; plus strand), LOC129994371 (ATAC-STARR-seq lymphoblastoid active region 22910; plus strand). Cytogenetic location: 5q22.2.
Variant type: single nucleotide variant.
Coding change: c.-191T>G on transcript NM_001127511.3; 191 bases upstream of the start codon, T replaced by G.
Molecular consequence: 5 prime UTR variant. On other transcripts: non-coding transcript variant (2).
Genome position (GRCh38, 1-based): chr5:112,707,527, T>G. VCF-style: chr5-112707527-T-G. GRCh37 (hg19) VCF-style: chr5-112043224-T-G.
Other names: c.-374T>G (NM_001354895.2, NM_001407447.1, NM_001407452.1 and 3 more transcripts); c.-191T>G (NM_001354897.2, NM_001354902.2, NM_001407446.1); c.-141T>G (NM_001407448.1, NM_001407450.1, NM_001407457.1 and 1 more transcripts); c.-165T>G (NM_001407453.1); c.-1409T>G (NM_001407470.1, NM_001407472.1).
Identifiers: ClinVar variation 1782658 (VCV001782658.3), dbSNP rs879253783, ClinGen allele CA2580072264.

ClinVar aggregate classification (germline): Likely pathogenic (1 of 4 stars; one submission).

Conditions:
Hereditary cancer-predisposing syndrome. Also called: Hereditary neoplastic syndrome; Neoplastic Syndromes, Hereditary; Tumor predisposition; Hereditary Cancer Syndrome. Identifiers: Orphanet 140162, MedGen C0027672, MeSH D009386, MONDO:0015356.

Submission:

Ambry Genetics
Classification: Likely pathogenic for Hereditary cancer-predisposing syndrome. Last evaluated: 2024-06-24. Review status: criteria provided, single submitter. Criteria: Ambry Variant Classification Scheme 2023. Collection method: clinical testing. Allele origin: germline.
Comment: The c.-191T>G variant is located in the 5' untranslated region (5&rsquo; UTR) of the APC gene. This variant results from a T to G substitution 191 bases upstream from the first translated codon. This alteration has been observed in multiple individuals with a personal and/or family history that is consistent with gastric adenocarcinoma and proximal polyposis of the stomach (GAPPS) (Ambry internal data; Roberts AG et al. JPGN Reports, 2021 Nov;2(4):e123; Ishida A et al. Clin J Gastroenterol . 2024 Apr). This variant is considered to be rare based on population cohorts in the Genome Aggregation Database (gnomAD). Another alteration at the same position, (c.-191T>C), has been detected in multiple families with clinical diagnoses of GAPPS, shown to be a part of a highly conserved transcription factor binding site, and shown to have significantly decreased transcriptional activity in luciferase-based functional studies (Ambry internal data, Li J et al. Am J Hum Genet 2016 05;98(5):830-842). This nucleotide position is highly conserved in available vertebrate species. Based on the majority of available evidence to date, this variant is likely to be pathogenic.

Literature cited by the submitters: PubMed 27087319; PubMed 37206458; PubMed 38635099.